The following is an entry in ClinVar:

NM_176824.3(BBS7):c.532T>A (p.Ser178Thr)

Gene: BBS7 (Bardet-Biedl syndrome 7; minus strand). Cytogenetic location: 4q27.
Variant type: single nucleotide variant.
Coding change: c.532T>A on transcript NM_176824.3 (MANE Select); coding-DNA position 532, T replaced by A.
Protein change: p.Ser178Thr; replaces serine 178 with threonine.
Molecular consequence: missense variant.
Genome position (GRCh38, 1-based): chr4:121,855,558, A>T on the plus strand (T>A on the coding strand, the complement: BBS7 is on the minus strand). VCF-style: chr4-121855558-A-T. GRCh37 (hg19) VCF-style: chr4-122776713-A-T.
Other names: c.532T>A (NM_176824.2); c.532T>A, p.Ser178Thr (NM_018190.4); short protein forms S178T.
Identifiers: ClinVar variation 1011798 (VCV001011798.6), dbSNP rs750684046, ClinGen allele CA3064482.

ClinVar aggregate classification (germline): Uncertain significance. Review status: criteria provided, multiple submitters, no conflicts (2 of 4 stars). 2 submissions from 2 submitters: Uncertain significance (2). Last evaluated 2026-05-01.

Conditions:
Bardet-Biedl syndrome (BBS). Identifiers: Orphanet 110, MedGen C0752166, MONDO:0015229.
BBS7-related disorder. Also called: BBS7-related condition.

Allele frequency attached by ClinVar (database versions not stated): ExAC 0.00001; gnomAD exomes 0.00001 and 0.00002.
gnomAD v4.1: 4 of 1,613,178 alleles (0.00025%); highest among the groups gnomAD compares: Admixed American, 0.005%; no homozygotes.

Submissions (2):

PreventionGenetics, part of Exact Sciences
Classification: Uncertain significance for BBS7-related condition. Last evaluated: 2026-05-01. Review status: criteria provided, single submitter. Criteria: ACMG Guidelines, 2015. Collection method: clinical testing. Allele origin: germline.
Comment: The BBS7 c.532T>A variant is predicted to result in the amino acid substitution p.Ser178Thr. To our knowledge, this variant has not been reported in the literature. This variant is reported in 0.012% of alleles in individuals of Latino descent in gnomAD. At this time, the clinical significance of this variant is uncertain due to the absence of conclusive functional and genetic evidence.

Labcorp Genetics (formerly Invitae), Labcorp
Classification: Uncertain significance for Bardet-Biedl syndrome. Last evaluated: 2024-07-22. Review status: criteria provided, single submitter. Criteria: Invitae Variant Classification Sherloc (09022015). Collection method: clinical testing. Allele origin: germline.
Comment: This sequence change replaces serine, which is neutral and polar, with threonine, which is neutral and polar, at codon 178 of the BBS7 protein (p.Ser178Thr). This variant is present in population databases (rs750684046, gnomAD 0.01%). This variant has not been reported in the literature in individuals affected with BBS7-related conditions. ClinVar contains an entry for this variant (Variation ID: 1011798). Advanced modeling of protein sequence and biophysical properties (such as structural, functional, and spatial information, amino acid conservation, physicochemical variation, residue mobility, and thermodynamic stability) performed at Invitae indicates that this missense variant is not expected to disrupt BBS7 protein function with a negative predictive value of 80%. In summary, the available evidence is currently insufficient to determine the role of this variant in disease. Therefore, it has been classified as a Variant of Uncertain Significance.